The following is an entry in ClinVar:

ClinVar aggregate classification (germline): Uncertain significance (1 of 4 stars; one submission).

Allele frequency attached by ClinVar (database versions not stated): ExAC 0.00001.
gnomAD v4.1: 2 of 1,613,930 alleles (0.00012%); highest among the groups gnomAD compares: South Asian, 0.0011%; no homozygotes.

Submission:

Labcorp Genetics (formerly Invitae), Labcorp
Classification: Uncertain significance. Last evaluated: 2023-05-15. Review status: criteria provided, single submitter. Criteria: Invitae Variant Classification Sherloc (09022015). Collection method: clinical testing. Allele origin: germline.
Comment: In summary, the available evidence is currently insufficient to determine the role of this variant in disease. Therefore, it has been classified as a Variant of Uncertain Significance. This variant has not been reported in the literature in individuals affected with SUCO-related conditions. Algorithms developed to predict the effect of missense changes on protein structure and function output the following: SIFT: "Not Available"; PolyPhen-2: "Benign"; Align-GVGD: "Not Available". The glycine amino acid residue is found in multiple mammalian species, which suggests that this missense change does not adversely affect protein function. This sequence change replaces valine, which is neutral and non-polar, with glycine, which is neutral and non-polar, at codon 857 of the SUCO protein (p.Val857Gly). This variant is present in population databases (rs760219633, gnomAD 0.01%).

NM_014283.5(SUCO):c.2570T>G (p.Val857Gly)

Gene: SUCO (SUN domain containing ossification factor; plus strand). Cytogenetic location: 1q24.3.
Variant type: single nucleotide variant.
Coding change: c.2570T>G on transcript NM_014283.5 (MANE Select); coding-DNA position 2570, T replaced by G.
Protein change: p.Val857Gly; replaces valine 857 with glycine.
Molecular consequence: missense variant. On other transcripts: intron variant (1).
Genome position (GRCh38, 1-based): chr1:172,589,671, T>G. VCF-style: chr1-172589671-T-G. GRCh37 (hg19) VCF-style: chr1-172558811-T-G.
Other names: c.881T>G, p.Val294Gly (NM_001282751.2); c.3023T>G, p.Val1008Gly (NM_016227.4); c.1712+747T>G (NM_001282750.2); short protein forms V1008G, V857G, V294G.
Identifiers: ClinVar variation 2724948 (VCV002724948.3), dbSNP rs760219633, ClinGen allele CA1247106.